The following is an entry in ClinVar:

NM_000246.4(CIITA):c.481+10G>T

Gene: CIITA (class II major histocompatibility complex transactivator; plus strand). Cytogenetic location: 16p13.13.
Variant type: single nucleotide variant.
Coding change: c.481+10G>T on transcript NM_000246.4 (MANE Select); 10 bases into the intron after coding-DNA position 481, G replaced by T.
Molecular consequence: intron variant.
Genome position (GRCh38, 1-based): chr16:10,901,568, G>T. VCF-style: chr16-10901568-G-T. GRCh37 (hg19) VCF-style: chr16-10995425-G-T.
Other names: c.484+10G>T (NM_001286402.1, NM_001379332.1, NM_001379330.1); c.481+10G>T (NM_001379333.1, NM_001379331.1, NM_001286403.2); c.412+10G>T (NM_001379334.1).
Identifiers: ClinVar variation 1513857 (VCV001513857.8), dbSNP rs2144538393, ClinGen allele CA2573151842.

ClinVar aggregate classification (germline): Uncertain significance (1 of 4 stars; one submission).

Conditions:
MHC class II deficiency. Also called: Bare lymphocyte syndrome 2; BLS, TYPE II. Identifiers: Orphanet 572, MedGen C5447452, MONDO:0008855.

Submission:

Labcorp Genetics (formerly Invitae), Labcorp
Classification: Uncertain significance for MHC class II deficiency. Last evaluated: 2021-02-03. Review status: criteria provided, single submitter. Criteria: Invitae Variant Classification Sherloc (09022015). Collection method: clinical testing. Allele origin: germline.
Comment: In summary, the available evidence is currently insufficient to determine the role of this variant in disease. Therefore, it has been classified as a Variant of Uncertain Significance. Algorithms developed to predict the effect of sequence changes on RNA splicing suggest that this variant may create or strengthen a splice site, but this prediction has not been confirmed by published transcriptional studies. This variant has not been reported in the literature in individuals with CIITA-related conditions. This variant is not present in population databases (ExAC no frequency). This sequence change falls in intron 6 of the CIITA gene. It does not directly change the encoded amino acid sequence of the CIITA protein.